The following is an entry in ClinVar:

NM_017791.3(FLVCR2):c.47T>C (p.Val16Ala)

Genes: FLVCR2 (FLVCR choline and putative heme transporter 2; plus strand), FLVCR2-AS1 (FLVCR2 antisense RNA 1; minus strand). Cytogenetic location: 14q24.3.
Variant type: single nucleotide variant.
Coding change: c.47T>C on transcript NM_017791.3 (MANE Select); coding-DNA position 47, T replaced by C.
Protein change: p.Val16Ala; replaces valine 16 with alanine.
Molecular consequence: missense variant. On other transcripts: non-coding transcript variant (1).
Genome position (GRCh38, 1-based): chr14:75,579,019, T>C. VCF-style: chr14-75579019-T-C. GRCh37 (hg19) VCF-style: chr14-76045362-T-C.
Other names: short protein forms V16A.
Identifiers: ClinVar variation 95818 (VCV000095818.18), dbSNP rs2287015, ClinGen allele CA148899.

ClinVar aggregate classification (germline): Benign. Review status: criteria provided, multiple submitters, no conflicts (2 of 4 stars). 7 submissions from 7 submitters: Benign (7). Last evaluated 2026-02-03.

Conditions:
Posterior column ataxia-retinitis pigmentosa syndrome (RETSNS). Also called: RETINOPATHY-SENSORY NEUROPATHY SYNDROME. Identifiers: Orphanet 88628, MedGen C1836916, MONDO:0012177, OMIM 609033.
Proliferative vasculopathy and hydranencephaly-hydrocephaly syndrome. Also called: Fowler syndrome; ENCEPHALOCLASTIC PROLIFERATIVE VASCULOPATHY; HYDRANENCEPHALY, FOWLER TYPE; HYDROCEPHALY/HYDRANENCEPHALY DUE TO CEREBRAL VASCULOPATHY. Identifiers: Orphanet 221126, MedGen C1856972, MONDO:0009168, OMIM 225790.

Allele frequency attached by ClinVar (database versions not stated): 1000 Genomes Project 30x 0.47751; ExAC 0.32524; TOPMed 0.39889; gnomAD exomes 0.25586 and 0.32223; gnomAD 0.37478 and 0.37653; ESP Exome Variant Server 0.37298; 1000 Genomes Project 0.47384.
gnomAD v4.1: 432,779 of 1,613,644 alleles (27%); highest among the groups gnomAD compares: African/African-American, 67%; 69,852 homozygotes.

Submissions (7):

Labcorp Genetics (formerly Invitae), Labcorp
Classification: Benign. Last evaluated: 2026-02-03. Review status: criteria provided, single submitter. Criteria: Invitae Variant Classification Sherloc (09022015). Collection method: clinical testing. Allele origin: germline.

Blueprint Genetics
Classification: Benign. Last evaluated: 2024-11-27. Review status: criteria provided, single submitter. Criteria: ACMG Guidelines, 2015. Collection method: clinical testing. Allele origin: germline.

Genome-Nilou Lab
Classification: Benign for Proliferative vasculopathy and hydranencephaly-hydrocephaly syndrome. Last evaluated: 2021-08-10. Review status: criteria provided, single submitter. Criteria: ACMG Guidelines, 2015. Collection method: clinical testing. Allele origin: germline. Affected: no.

GeneDx
Classification: Benign. Last evaluated: 2018-11-11. Review status: criteria provided, single submitter. Criteria: GeneDx Variant Classification Process June 2021. Collection method: clinical testing. Allele origin: germline. Affected: yes.

Illumina Laboratory Services, Illumina
Classification: Benign for Posterior column ataxia-retinitis pigmentosa syndrome. Last evaluated: 2018-01-12. Review status: criteria provided, single submitter. Criteria: ICSL Variant Classification Criteria 13 December 2019. Collection method: clinical testing. Allele origin: germline.
Comment: This variant was observed in the ICSL laboratory as part of a predisposition screen in an ostensibly healthy population. It had not been previously curated by ICSL or reported in the Human Gene Mutation Database (HGMD: prior to June 1st, 2018), and was therefore a candidate for classification through an automated scoring system. Utilizing variant allele frequency, disease prevalence and penetrance estimates, and inheritance mode, an automated score was calculated to assess if this variant is too frequent to cause the disease. Based on the score and internal cut-off values, a variant classified as benign is not then subjected to further curation. The score for this variant resulted in a classification of benign for this disease.

Eurofins Ntd Llc (ga)
Classification: Benign. Last evaluated: 2013-07-03. Review status: criteria provided, single submitter. Criteria: EGL Classification Definitions 2015. Collection method: clinical testing. Allele origin: germline. Observed: 4 variant alleles, 3 heterozygotes, 1 homozygote.

Breakthrough Genomics
Classification: Benign. Review status: criteria provided, single submitter. Criteria: ACMG Guidelines, 2015. Collection method: not provided. Allele origin: germline. Inheritance: Autosomal recessive inheritance. Affected: yes.